The following is an entry in ClinVar:

ClinVar aggregate classification (germline): other (0 of 4 stars; one submission).

Conditions:
Familial colorectal cancer. Identifiers: MedGen CN280943, MONDO:0023113. Disease mechanism: loss of function.

Allele frequency attached by ClinVar (database versions not stated): gnomAD 0.71902; TOPMed 0.75355; 1000 Genomes Project 0.81629; 1000 Genomes Project 30x 0.81699.
gnomAD v4.1: 110,669 of 151,994 alleles (73%); highest among the groups gnomAD compares: African/African-American, 91%; 41,599 homozygotes.

Submission:

Systems Biology Platform Zhejiang California International NanoSystems Institute
Classification: other for Familial colorectal cancer. Review status: no assertion criteria provided. Collection method: not provided. Allele origin: unknown.
ClinVar note: Converted during submission from cancer to other.

NM_000038.6(APC):c.1408+1874A>G

Gene: APC (APC regulator of WNT signaling pathway; plus strand). Cytogenetic location: 5q22.2.
Variant type: single nucleotide variant.
Coding change: c.1408+1874A>G on transcript NM_000038.6 (MANE Select); 1874 bases into the intron after coding-DNA position 1408, A replaced by G.
Molecular consequence: intron variant.
Genome position (GRCh38, 1-based): chr5:112,823,865, A>G. VCF-style: chr5-112823865-A-G. GRCh37 (hg19) VCF-style: chr5-112159562-A-G.
Other names: c.1408+1874A>G (NM_001354895.2, NM_001127510.3); c.1438+1874A>G (NM_001354897.2); c.1135+1874A>G (NM_001354902.2); c.1354+1874A>G (NM_001127511.3); c.1333+1874A>G (NM_001354898.2); c.1030+1874A>G (NM_001354904.2); c.559+1874A>G (NM_001354906.2); c.1462+505A>G (NM_001354896.2); and 5 more.
Identifiers: ClinVar variation 83142 (VCV000083142.2), dbSNP rs2545159, ClinGen allele CA004926.
Genomic context (GRCh38, chr5:112,823,865, plus strand): 5'-CACAAAATACCTAAATCATAATGATCACCCAGAGGCACTCGTCAAACTGGATTTTCTGGC[A>G]CTGTAGCAAACAGAATCTCCAGGGGAAGGGCCTAGGAATCAATGTGATAAGTGGCCTGGC-3'